The following is an entry in ClinVar:

NM_001041.4(SI):c.2080A>T (p.Thr694Ser)

Gene: SI (sucrase-isomaltase; minus strand). Cytogenetic location: 3q26.1.
Variant type: single nucleotide variant.
Coding change: c.2080A>T on transcript NM_001041.4 (MANE Select); coding-DNA position 2080, A replaced by T.
Protein change: p.Thr694Ser; replaces threonine 694 with serine.
Molecular consequence: missense variant.
Genome position (GRCh38, 1-based): chr3:165,041,019, T>A on the plus strand (A>T on the coding strand, the complement: SI is on the minus strand). VCF-style: chr3-165041019-T-A. GRCh37 (hg19) VCF-style: chr3-164758807-T-A.
Other names: short protein forms T694S.
Identifiers: ClinVar variation 1483117 (VCV001483117.4), dbSNP rs780664460, ClinGen allele CA2690844.

ClinVar aggregate classification (germline): Uncertain significance (1 of 4 stars; one submission).

Allele frequency attached by ClinVar (database versions not stated): ExAC 0.00002; gnomAD exomes 0.00002.
gnomAD v4.1: 11 of 1,612,448 alleles (0.00068%); highest among the groups gnomAD compares: Admixed American, 0.0017%; no homozygotes.

Submission:

Labcorp Genetics (formerly Invitae), Labcorp
Classification: Uncertain significance. Last evaluated: 2025-07-14. Review status: criteria provided, single submitter. Criteria: Invitae Variant Classification Sherloc (09022015). Collection method: clinical testing. Allele origin: germline.
Comment: This sequence change replaces threonine, which is neutral and polar, with serine, which is neutral and polar, at codon 694 of the SI protein (p.Thr694Ser). This variant is present in population databases (rs780664460, gnomAD 0.003%). This missense change has been observed in individual(s) with sucrase-isomaltase deficiency (PMID: 32732636). ClinVar contains an entry for this variant (Variation ID: 1483117). Invitae Evidence Modeling of protein sequence and biophysical properties (such as structural, functional, and spatial information, amino acid conservation, physicochemical variation, residue mobility, and thermodynamic stability) indicates that this missense variant is not expected to disrupt SI protein function with a negative predictive value of 95%. In summary, the available evidence is currently insufficient to determine the role of this variant in disease. Therefore, it has been classified as a Variant of Uncertain Significance.

Literature cited by the submitters: PubMed 32732636.